The following is an entry in ClinVar:

ClinVar aggregate classification (germline): Pathogenic. Review status: criteria provided, multiple submitters, no conflicts (2 of 4 stars). 4 submissions from 4 submitters: Pathogenic (4). Last evaluated 2023-02-18.

Conditions:
Hereditary cancer-predisposing syndrome. Also called: Neoplastic Syndromes, Hereditary; Hereditary neoplastic syndrome; Tumor predisposition; Hereditary Cancer Syndrome. Identifiers: Orphanet 140162, MedGen C0027672, MeSH D009386, MONDO:0015356.
Cardiovascular phenotype. Identifiers: MedGen CN230736.
Neurofibromatosis, type 1 (NF1). Also called: VON RECKLINGHAUSEN DISEASE; NEUROFIBROMATOSIS, TYPE I, SOMATIC; Peripheral type neurofibromatosis; Neurofibromatosis, type I. Identifiers: Orphanet 636, MedGen C0027831, MONDO:0018975, OMIM 162200. Disease mechanism: loss of function.

Submissions (4):

Labcorp Genetics (formerly Invitae), Labcorp
Classification: Pathogenic for Neurofibromatosis, type 1. Last evaluated: 2023-02-18. Review status: criteria provided, single submitter. Criteria: Invitae Variant Classification Sherloc (09022015). Collection method: clinical testing. Allele origin: germline.
Comment: ClinVar contains an entry for this variant (Variation ID: 659910). This premature translational stop signal has been observed in individual(s) with neurofibromatosis type-1 (PMID: 26740943). This variant is not present in population databases (gnomAD no frequency). This sequence change creates a premature translational stop signal (p.Ser2160Valfs*19) in the NF1 gene. It is expected to result in an absent or disrupted protein product. Loss-of-function variants in NF1 are known to be pathogenic (PMID: 10712197, 23913538). Algorithms developed to predict the effect of sequence changes on RNA splicing suggest that this variant may disrupt the consensus splice site. For these reasons, this variant has been classified as Pathogenic.

Genome-Nilou Lab
Classification: Pathogenic for Neurofibromatosis, type 1. Last evaluated: 2022-03-15. Review status: criteria provided, single submitter. Criteria: ACMG Guidelines, 2015. Collection method: clinical testing. Allele origin: germline. Affected: no.

Mendelics
Classification: Pathogenic for Neurofibromatosis, type 1. Last evaluated: 2019-05-28. Review status: criteria provided, single submitter. Criteria: Mendelics Assertion Criteria 2017. Collection method: clinical testing. Allele origin: unknown.

Ambry Genetics
Classification: Pathogenic for Cardiovascular phenotype; Hereditary cancer-predisposing syndrome. Last evaluated: 2018-03-09. Review status: criteria provided, single submitter. Criteria: Ambry Variant Classification Scheme 2023. Collection method: clinical testing. Allele origin: germline.
Comment: The c.6477delC pathogenic mutation, located in coding exon 42 of the NF1 gene, results from a deletion of one nucleotide at nucleotide position 6477, causing a translational frameshift with a predicted alternate stop codon (p.S2160Vfs*19). This alteration was identified in an individual displaying clinical characteristics of neurofibromatosis 1 (NF1), however specific clinical information was not available (Bianchessi D et al. Mol Genet Genomic Med, 2015 Nov;3:513-25). In additiona to the clinical data presented, this alteration is expected to result in loss of function by premature protein truncation or nonsense-mediated mRNA decay. As such, this alteration is interpreted as a disease-causing mutation.

Literature cited by the submitters: PubMed 26740943 (cited by Labcorp Genetics (formerly Invitae), Labcorp); PubMed 10712197 (cited by Labcorp Genetics (formerly Invitae), Labcorp); PubMed 23913538 (cited by Labcorp Genetics (formerly Invitae), Labcorp).

NM_001042492.3(NF1):c.6540del (p.Ser2181fs)

Gene: NF1 (neurofibromin 1; plus strand). Cytogenetic location: 17q11.2.
Variant type: Deletion.
Coding change: c.6540del on transcript NM_001042492.3 (MANE Select); coding-DNA position 6540, one base deleted (C; older notation c.6540delC).
Protein change: p.Ser2181fs; shifts the reading frame from serine 2181.
Molecular consequence: frameshift variant.
Genome position (GRCh38, 1-based): chr17:31,337,480, C deleted; the last of 2 consecutive C bases (chr17:31,337,479-31,337,480); deleting either gives the same sequence. VCF-style (leftmost placement, unchanged base first): chr17-31337478-TC-T. GRCh37 (hg19) VCF-style: chr17-29664496-TC-T.
Other names: c.6477delC (NM_000267.3); c.6477delC, p.Ser2160Valfs (NM_000267.4); short protein forms S2160fs, S2181fs.
Identifiers: ClinVar variation 659910 (VCV000659910.12), dbSNP rs1597843853, ClinGen allele CA915949941.